The following is an entry in ClinVar:

NM_001792.5(CDH2):c.381A>C (p.Leu127Phe)

Gene: CDH2 (cadherin 2; minus strand). Cytogenetic location: 18q12.1.
Variant type: single nucleotide variant.
Coding change: c.381A>C on transcript NM_001792.5 (MANE Select); coding-DNA position 381, A replaced by C.
Protein change: p.Leu127Phe; replaces leucine 127 with phenylalanine.
Molecular consequence: missense variant.
Genome position (GRCh38, 1-based): chr18:28,013,701, T>G on the plus strand (A>C on the coding strand, the complement: CDH2 is on the minus strand). VCF-style: chr18-28013701-T-G. GRCh37 (hg19) VCF-style: chr18-25593665-T-G.
Other names: c.288A>C, p.Leu96Phe (NM_001308176.2); c.381A>C (NM_001792.3); short protein forms L127F, L96F.
Identifiers: ClinVar variation 2048327 (VCV002048327.8), dbSNP rs971731737, ClinGen allele CA297918373.
Genomic context (GRCh38, chr18:28,013,701, plus strand): 5'-CTGATTTTTAACCAGCCCTAAAGCCATATTCGGATACTATACCTTCACTGACTCCTCAGT[T>G]AAGGTTGGCTTCAGGCTCAATTTTACTGCCACTTGCCACTTTTCCTGGGTCTCTTTGTCT-3'
Protein context (NP_001783.2, residues 117-137): VAVKLSLKPT[Leu127Phe]TEESVKESAE

ClinVar aggregate classification (germline): Conflicting classifications of pathogenicity. Review status: criteria provided, conflicting classifications (1 of 4 stars). 3 submissions from 3 submitters: Uncertain significance (2); Likely benign (1). Last evaluated 2025-11-30.

Conditions:
Inborn genetic diseases. Identifiers: MedGen C0950123, MeSH D030342.

Allele frequency attached by ClinVar (database versions not stated): gnomAD 0.00001.
gnomAD v4.1: 2 of 1,612,306 alleles (0.00012%); highest among the groups gnomAD compares: Admixed American, 0.0017%; no homozygotes.

Submissions (3):

Labcorp Genetics (formerly Invitae), Labcorp
Classification: Uncertain significance. Last evaluated: 2025-11-30. Review status: criteria provided, single submitter. Criteria: Invitae Variant Classification Sherloc (09022015). Collection method: clinical testing. Allele origin: germline.
Comment: This sequence change replaces leucine, which is neutral and non-polar, with phenylalanine, which is neutral and non-polar, at codon 127 of the CDH2 protein (p.Leu127Phe). This variant is present in population databases (no rsID available, gnomAD no frequency). This variant has not been reported in the literature in individuals affected with CDH2-related conditions. ClinVar contains an entry for this variant (Variation ID: 2048327). An algorithm developed to predict the effect of missense changes on protein structure and function (PolyPhen-2) suggests that this variant is likely to be tolerated. In summary, the available evidence is currently insufficient to determine the role of this variant in disease. Therefore, it has been classified as a Variant of Uncertain Significance.

Ambry Genetics
Classification: Uncertain significance for Inborn genetic diseases. Last evaluated: 2025-03-23. Review status: criteria provided, single submitter. Criteria: Ambry Variant Classification Scheme 2023. Collection method: clinical testing. Allele origin: germline.
Comment: The p.L127F variant (also known as c.381A>C), located in coding exon 3 of the CDH2 gene, results from an A to C substitution at nucleotide position 381. The leucine at codon 127 is replaced by phenylalanine, an amino acid with highly similar properties. This amino acid position is conserved. In addition, this alteration is predicted to be tolerated by in silico analysis. Since supporting evidence is limited at this time, the clinical significance of this alteration remains unclear.

Blueprint Genetics
Classification: Likely benign. Last evaluated: 2024-09-10. Review status: criteria provided, single submitter. Criteria: ACMG Guidelines, 2015. Collection method: clinical testing. Allele origin: germline.